The following is an entry in ClinVar:

NM_138713.4(NFAT5):c.3200G>A (p.Gly1067Glu)

Gene: NFAT5 (nuclear factor of activated T cells 5; plus strand). Cytogenetic location: 16q22.1.
Variant type: single nucleotide variant.
Coding change: c.3200G>A on transcript NM_138713.4 (MANE Select); coding-DNA position 3200, G replaced by A.
Protein change: p.Gly1067Glu; replaces glycine 1067 with glutamic acid.
Molecular consequence: missense variant.
Genome position (GRCh38, 1-based): chr16:69,693,025, G>A. VCF-style: chr16-69693025-G-A. GRCh37 (hg19) VCF-style: chr16-69726928-G-A.
Other names: c.3197G>A, p.Gly1066Glu (NM_001113178.3); c.2525G>A, p.Gly842Glu (NM_001367709.1); c.3146G>A, p.Gly1049Glu (NM_006599.4); c.2918G>A, p.Gly973Glu (NM_138714.4, NM_173214.3, NM_173215.3); short protein forms G1049E, G1066E, G1067E, G842E, G973E.
Identifiers: ClinVar variation 1038869 (VCV001038869.8), dbSNP rs750268591, ClinGen allele CA8135863.

ClinVar aggregate classification (germline): Uncertain significance (1 of 4 stars; one submission).

Conditions:
Immunodeficiency. Identifiers: MedGen C0021051, MONDO:0021094, HP:0002721.

Allele frequency attached by ClinVar (database versions not stated): gnomAD exomes below 0.00001; ExAC 0.00001.
gnomAD v4.1: 4 of 1,613,986 alleles (0.00025%); highest among the groups gnomAD compares: Non-Finnish European, 0.00034%; no homozygotes.

Submission:

Labcorp Genetics (formerly Invitae), Labcorp
Classification: Uncertain significance for Immunodeficiency. Last evaluated: 2024-07-22. Review status: criteria provided, single submitter. Criteria: Invitae Variant Classification Sherloc (09022015). Collection method: clinical testing. Allele origin: germline.
Comment: This sequence change replaces glycine, which is neutral and non-polar, with glutamic acid, which is acidic and polar, at codon 973 of the NFAT5 protein (p.Gly973Glu). This variant is present in population databases (rs750268591, gnomAD 0.0009%). This variant has not been reported in the literature in individuals affected with NFAT5-related conditions. ClinVar contains an entry for this variant (Variation ID: 1038869). An algorithm developed to predict the effect of missense changes on protein structure and function (PolyPhen-2) suggests that this variant is likely to be tolerated. In summary, the available evidence is currently insufficient to determine the role of this variant in disease. Therefore, it has been classified as a Variant of Uncertain Significance.